The following is an entry in ClinVar:

NM_000219.6(KCNE1):c.283G>T (p.Val95Phe)

Gene: KCNE1 (potassium voltage-gated channel subfamily E regulatory subunit 1; minus strand). Cytogenetic location: 21q22.12.
Variant type: single nucleotide variant.
Coding change: c.283G>T on transcript NM_000219.6 (MANE Select); coding-DNA position 283, G replaced by T.
Protein change: p.Val95Phe; replaces valine 95 with phenylalanine.
Molecular consequence: missense variant.
Genome position (GRCh38, 1-based): chr21:34,449,352, C>A on the plus strand (G>T on the coding strand, the complement: KCNE1 is on the minus strand). VCF-style: chr21-34449352-C-A. GRCh37 (hg19) VCF-style: chr21-35821650-C-A.
Other names: c.283G>T, p.Val95Phe (NM_001127668.4, NM_001127669.4, NM_001127670.4 and 4 more transcripts); short protein forms V95F.
Identifiers: ClinVar variation 3374528 (VCV003374528.2).

Conditions:
Long QT syndrome 5 (LQT5). Identifiers: Orphanet 101016, Orphanet 768, MedGen C1867904, MONDO:0013372, OMIM 613695.

Submission:

Roden Lab, Vanderbilt University Medical Center
No classification provided (evidence only). Condition: Long QT syndrome 5. Review status: no classification provided. Collection method: in vitro. Allele origin: not applicable. Functional consequence: Effect on ion channel function.
ClinVar note: "not provided" was previously submitted as the classification for the variant. However, the classification appeared to be based only on an observation of functional data so it was converted to no classification on 2025-07-30.